The following is an entry in ClinVar:

NM_004415.4(DSP):c.6056C>G (p.Ala2019Gly)

Gene: DSP (desmoplakin; plus strand). Cytogenetic location: 6p24.3.
Variant type: single nucleotide variant.
Coding change: c.6056C>G on transcript NM_004415.4 (MANE Select); coding-DNA position 6056, C replaced by G.
Protein change: p.Ala2019Gly; replaces alanine 2019 with glycine.
Molecular consequence: missense variant.
Genome position (GRCh38, 1-based): chr6:7,583,318, C>G. VCF-style: chr6-7583318-C-G. GRCh37 (hg19) VCF-style: chr6-7583551-C-G.
Other names: c.4259C>G, p.Ala1420Gly (NM_001008844.3); c.4727C>G, p.Ala1576Gly (NM_001319034.2); short protein forms A1420G, A2019G, A1576G.
Identifiers: ClinVar variation 4784528 (VCV004784528.1).
Genomic context (GRCh38, chr6:7,583,318, plus strand): 5'-AGTCAGTGGAAGAAGTTGCTTCTGAAATCCAGCCATTCCTTCGGGGTGCAGGATCTATCG[C>G]TGGAGCATCTGCTTCTCCTAAGGAAAAATACTCTTTGGTAGAGGCCAAGAGAAAGAAATT-3'
Protein context (NP_004406.2, residues 2009-2029): QPFLRGAGSI[Ala2019Gly]GASASPKEKY

ClinVar aggregate classification (germline): Uncertain significance (1 of 4 stars; one submission).

Conditions:
Arrhythmogenic right ventricular dysplasia 8 (ARVD8). Also called: Arrhythmogenic Right Ventricular Dysplasia/Cardiomyopathy 8; ARRHYTHMOGENIC RIGHT VENTRICULAR DYSPLASIA, FAMILIAL, 8; ARRHYTHMOGENIC RIGHT VENTRICULAR CARDIOMYOPATHY 8. Identifiers: MedGen C1843896, MONDO:0011831, OMIM 607450.
Arrhythmogenic cardiomyopathy with wooly hair and keratoderma. Also called: PALMOPLANTAR KERATODERMA WITH LEFT VENTRICULAR CARDIOMYOPATHY AND WOOLLY HAIR; Arrhythmogenic cardiomyopathy with woolly hair and keratoderma; Carvajal syndrome; Dilated cardiomyopathy with woolly hair and keratoderma. Identifiers: Orphanet 65282, MedGen C1854063, MONDO:0011581, OMIM 605676.

Submission:

Labcorp Genetics (formerly Invitae), Labcorp
Classification: Uncertain significance for Arrhythmogenic cardiomyopathy with wooly hair and keratoderma; Arrhythmogenic right ventricular dysplasia 8. Last evaluated: 2025-03-30. Review status: criteria provided, single submitter. Criteria: Invitae Variant Classification Sherloc (09022015). Collection method: clinical testing. Allele origin: germline.
Comment: This sequence change replaces alanine, which is neutral and non-polar, with glycine, which is neutral and non-polar, at codon 2019 of the DSP protein (p.Ala2019Gly). This variant is not present in population databases (gnomAD no frequency). This variant has not been reported in the literature in individuals affected with DSP-related conditions. An algorithm developed to predict the effect of missense changes on protein structure and function (PolyPhen-2) suggests that this variant is likely to be disruptive. In summary, the available evidence is currently insufficient to determine the role of this variant in disease. Therefore, it has been classified as a Variant of Uncertain Significance.